The following is an entry in ClinVar:

NM_177550.5(SLC13A5):c.680C>T (p.Thr227Met)

Gene: SLC13A5 (solute carrier family 13 member 5; minus strand). Cytogenetic location: 17p13.1.
Variant type: single nucleotide variant.
Coding change: c.680C>T on transcript NM_177550.5 (MANE Select); coding-DNA position 680, C replaced by T.
Protein change: p.Thr227Met; replaces threonine 227 with methionine.
Molecular consequence: missense variant.
Genome position (GRCh38, 1-based): chr17:6,703,006, G>A on the plus strand (C>T on the coding strand, the complement: SLC13A5 is on the minus strand). VCF-style: chr17-6703006-G-A. GRCh37 (hg19) VCF-style: chr17-6606325-G-A.
Other names: NM_177550.4(SLC13A5):c.680C>T; c.680C>T, p.Thr227Met (NM_001143838.3); c.629C>T, p.Thr210Met (NM_001284509.2); c.551C>T, p.Thr184Met (NM_001284510.2); short protein forms T227M, T184M, T210M.
Identifiers: ClinVar variation 140753 (VCV000140753.29), dbSNP rs587777577, ClinGen allele CA210667.
Genomic context (GRCh38, chr17:6,703,006, plus strand): 5'-CAGAAGGTGCGACCAAGGACTCACTCGTTCATCTGGCCCAGGAGCACCACGTTGGGTCCC[G>A]TCCCGGTCAGGGTGGCGGTGCCCCCGATGCTGGCCGCGTAGCAGATGCACAGGGTCATGG-3'
Protein context (NP_808218.1, residues 217-237): SIGGTATLTG[Thr227Met]GPNVVLLGQM

ClinVar aggregate classification (germline): Pathogenic/Likely pathogenic. Review status: criteria provided, multiple submitters, no conflicts (2 of 4 stars). 14 submissions from 14 submitters: Pathogenic (6); Likely pathogenic (2). 6 of the submissions do not count toward it. Last evaluated 2025-09-10.

Conditions:
Developmental and epileptic encephalopathy, 25 (DEE25). Also called: Developmental and epileptic encephalopathy 25, with amelogenesis imperfecta; Epileptic encephalopathy, early infantile, 25, with amelogenesis imperfecta; Epileptic encephalopathy, early infantile, 25. Identifiers: Orphanet 442835, MedGen C4014621, MONDO:0014392, OMIM 615905.
Undetermined early-onset epileptic encephalopathy. Identifiers: Orphanet 442835, MedGen C5680057, MONDO:0018614.

Allele frequency attached by ClinVar (database versions not stated): gnomAD exomes 0.00001 and 0.00002; ExAC 0.00002; gnomAD 0.00004; TOPMed 0.00001.
gnomAD v4.1: 27 of 1,614,098 alleles (0.0017%); highest among the groups gnomAD compares: South Asian, 0.0033%; no homozygotes.

Submissions (14):

Genomic Medicine Center of Excellence, King Faisal Specialist Hospital and Research Centre
Classification: Pathogenic for Developmental and epileptic encephalopathy, 25. Last evaluated: 2025-09-10. Review status: criteria provided, single submitter. Criteria: ACMG Guidelines, 2015. Collection method: clinical testing. Allele origin: germline.

Institute of Immunology and Genetics Kaiserslautern
Classification: Pathogenic for Developmental and epileptic encephalopathy, 25. Last evaluated: 2025-06-04. Review status: criteria provided, single submitter. Criteria: ACMG Guidelines, 2015. Collection method: clinical testing. Allele origin: germline. Affected: yes.
Comment: ACMG Criteria: PS3, PM2, PM3, PP3, PP5; Variant was found in homozygous state.

GeneDx
Classification: Pathogenic. Last evaluated: 2023-10-21. Review status: criteria provided, single submitter. Criteria: GeneDx Variant Classification Process June 2021. Collection method: clinical testing. Allele origin: germline. Affected: yes.
Comment: In silico analysis supports that this missense variant has a deleterious effect on protein structure/function; Not observed at significant frequency in large population cohorts (gnomAD); This variant is associated with the following publications: (PMID: 27600704, 31231135, 32551328, 26384929, 27261973, 30054523, 33063863, 30525188, 28673551, 24995870, 27913086)

Labcorp Genetics (formerly Invitae), Labcorp
Classification: Pathogenic for Developmental and epileptic encephalopathy, 25. Last evaluated: 2023-08-29. Review status: criteria provided, single submitter. Criteria: Invitae Variant Classification Sherloc (09022015). Collection method: clinical testing. Allele origin: germline.
Comment: This missense change has been observed in individual(s) with clinical features of early infantile epileptic encephalopathy (PMID: 24995870, 26384929, 27261973, 27600704, 27913086, 28673551, 30525188, 32551328, 33063863). In at least one individual the data is consistent with being in trans (on the opposite chromosome) from a pathogenic variant. It has also been observed to segregate with disease in related individuals. For these reasons, this variant has been classified as Pathogenic. Experimental studies have shown that this missense change affects SLC13A5 function (PMID: 26384929, 27261973). Advanced modeling of protein sequence and biophysical properties (such as structural, functional, and spatial information, amino acid conservation, physicochemical variation, residue mobility, and thermodynamic stability) performed at Invitae indicates that this missense variant is expected to disrupt SLC13A5 protein function. ClinVar contains an entry for this variant (Variation ID: 140753). This variant is present in population databases (rs587777577, gnomAD 0.004%). This sequence change replaces threonine, which is neutral and polar, with methionine, which is neutral and non-polar, at codon 227 of the SLC13A5 protein (p.Thr227Met).

Broad Center for Mendelian Genomics, Broad Institute of MIT and Harvard
Classification: Likely pathogenic for Developmental and epileptic encephalopathy, 25. Last evaluated: 2021-11-02. Review status: criteria provided, single submitter. Criteria: ACMG Guidelines, 2015. Collection method: curation. Allele origin: germline. Inheritance: Autosomal recessive inheritance.
Comment: The p.Thr227Met variant in SLC13A5 has been reported in at least 10 individuals with developmental and epileptic encephalopathy (PMID: 24995870, 26384929, 27261973, 27600704, 28673551, 27913086, 31231135, 32551328, 33063863), and has been identified in 0.004% (1/24960) of African/African American chromosomes by the Genome Aggregation Database (gnomAD; dbSNP ID: rs140115503). Although this variant has been seen in the general population in a heterozygous state, its frequency is low enough to be consistent with a recessive carrier frequency. Of the 10 affected individuals, 3 of those were homozygotes and 5 were compound heterozygotes that carried reported pathogenic/likely pathogenic variants in trans or with unknown phase, which increases the likelihood that the p.Thr227Met variant is pathogenic (Variation ID#: 140752, 280534; PMID: 24995870, 27261973, 27600704, 28673551, 31231135). This variant has also been reported in ClinVar (Variation ID#: 140753) and has been interpreted as VUS by Invitae, likely pathogenic by Laboratory for Molecular Medicine (Partners HealthCare Personalized Medicine), and pathogenic by OMIM, Lupski Lab (Baylor-Hopkins CMG, Baylor College of Medicine), and Equipe Genetique des Anomalies du Developpement (Université de Bourgogne). In vitro functional studies provide some evidence that the p.Thr227Met variant may slightly impact protein function (PMID: 33040525, 26384929, 27261973). However, these types of assays may not accurately represent biological function. Computational prediction tools and conservation analyses suggest that this variant may impact the protein, though this information is not predictive enough to determine pathogenicity. The p.Thr227Met variant is located in a region of SLC13A5 that is essential to protein folding and stability, suggesting that this variant is in a functional domain and slightly supports pathogenicity (PMID: 26384929, 27261973). In summary, although additional studies are required to fully establish its clinical significance, this variant is likely pathogenic for autosomal recessive developmental and epileptic encephalopathy. ACMG/AMP Criteria applied: PM3_strong, PM2_supporting, PP3, PS3_supporting, PM1_supporting (Richards 2015).

Genome-Nilou Lab
Classification: Pathogenic for Developmental and epileptic encephalopathy, 25. Last evaluated: 2021-07-15. Review status: criteria provided, single submitter. Criteria: ACMG Guidelines, 2015. Collection method: clinical testing. Allele origin: germline. Affected: no.

Genetics and Genomic Medicine Centre, NeuroGen Healthcare, NeuroGen Healthcare
Classification: Pathogenic for Developmental and epileptic encephalopathy, 25. Last evaluated: 2019-10-05. Review status: criteria provided, single submitter. Criteria: Submitter's publication. Collection method: clinical testing. Allele origin: unknown. Affected: no.

Laboratory for Molecular Medicine, Mass General Brigham Personalized Medicine
Classification: Likely pathogenic for Undetermined early-onset epileptic encephalopathy. Last evaluated: 2018-03-23. Review status: criteria provided, single submitter. Criteria: LMM Criteria. Collection method: clinical testing. Allele origin: germline. Inheritance: Autosomal recessive inheritance. Observed: 1 variant allele.
Comment: The p.Thr227Met variant in SLC13A5 has been reported in 4 individuals with epile ptic encephalopathy and segregated with the disease in 1 affected family member; 3 of these individuals were compound heterozygous for the variant and one of th em homozygous (Hardies 2015, Klotz 2016, Thevenon 2014). This variant has also b een reported in ClinVar (Variation ID# 140753). This variant has been identified in 0.002% (3/126,362) of European chromosomes by the Genome Aggregation Databas e (gnomAD; dbSNP rs587777577). Although this v ariant has been seen in the general population, its frequency is low enough to b e consistent with a recessive carrier frequency. Computational prediction tools and conservation analysis suggest that the p.Thr227Met variant may impact the pr otein, though this information is not predictive enough to determine pathogenici ty. In vitro functional studies provide some evidence that the p.Thr227Met varia nt may impact protein function (Hardies 2015, Klotz 2016). However, these types of assays may not accurately represent biological function. In summary, although additional studies are required to fully establish its clinical significance, t he p.Thr227Met variant is likely pathogenic. ACMG/AMP Criteria applied: PM2, PM3 _Strong, PS3_Supporting, PP3

OMIM
Classification: Pathogenic for DEVELOPMENTAL AND EPILEPTIC ENCEPHALOPATHY 25 WITH AMELOGENESIS IMPERFECTA. Last evaluated: 2015-11-01. Review status: no assertion criteria provided. Collection method: literature only. Allele origin: germline. Not counted in ClinVar's aggregate classification.

Clinical Genetics DNA and cytogenetics Diagnostics Lab, Erasmus MC, Erasmus Medical Center
Classification: Likely pathogenic. Review status: no assertion criteria provided. Collection method: clinical testing. Allele origin: germline. Affected: yes. Study: VKGL Data-share Consensus. Not counted in ClinVar's aggregate classification.

Equipe Genetique des Anomalies du Developpement, Université de Bourgogne
Classification: Pathogenic for Developmental and epileptic encephalopathy, 25. Review status: no assertion criteria provided. Collection method: clinical testing. Allele origin: inherited. Affected: yes. Not counted in ClinVar's aggregate classification.

Genome Diagnostics Laboratory, University Medical Center Utrecht
Classification: Likely pathogenic. Review status: no assertion criteria provided. Collection method: clinical testing. Allele origin: germline. Affected: yes. Study: VKGL Data-share Consensus. Not counted in ClinVar's aggregate classification.

Joint Genome Diagnostic Labs from Nijmegen and Maastricht, Radboudumc and MUMC+
Classification: Likely pathogenic. Review status: no assertion criteria provided. Collection method: clinical testing. Allele origin: germline. Affected: yes. Study: VKGL Data-share Consensus. Not counted in ClinVar's aggregate classification.

Lupski Lab, Baylor-Hopkins CMG, Baylor College of Medicine
Classification: Pathogenic for Developmental and epileptic encephalopathy, 25. Review status: no assertion criteria provided. Collection method: research. Allele origin: germline. Inheritance: Autosomal recessive inheritance. Affected: yes. Not counted in ClinVar's aggregate classification.

Literature cited by the submitters: PubMed 24995870 (cited by 3 submitters); PubMed 26384929 (cited by 4 submitters); PubMed 27261973 (cited by 3 submitters); PubMed 27600704 (cited by Labcorp Genetics (formerly Invitae), Labcorp and OMIM); PubMed 27913086 (cited by Labcorp Genetics (formerly Invitae), Labcorp); PubMed 28673551 (cited by Labcorp Genetics (formerly Invitae), Labcorp); PubMed 30525188 (cited by Labcorp Genetics (formerly Invitae), Labcorp); PubMed 32551328 (cited by Labcorp Genetics (formerly Invitae), Labcorp); PubMed 33063863 (cited by Labcorp Genetics (formerly Invitae), Labcorp); PubMed 33040525 (cited by Broad Center for Mendelian Genomics, Broad Institute of MIT and Harvard).